The following is an entry in ClinVar:

ClinVar aggregate classification (germline): Uncertain significance. Review status: criteria provided, multiple submitters, no conflicts (2 of 4 stars). 3 submissions from 3 submitters: Uncertain significance (3). Last evaluated 2026-08-04.

Conditions:
Hereditary nonpolyposis colorectal neoplasms. Identifiers: MedGen C0009405, MeSH D003123.
Lynch syndrome. Identifiers: Orphanet 144, MedGen C4552100, MONDO:0005835. Disease mechanism: loss of function.
Hereditary cancer-predisposing syndrome. Also called: Tumor predisposition; Hereditary neoplastic syndrome; Neoplastic Syndromes, Hereditary; Hereditary Cancer Syndrome. Identifiers: Orphanet 140162, MedGen C0027672, MeSH D009386, MONDO:0015356.

gnomAD v4.1: 1 of 1,614,080 alleles (0.000062%); highest among the groups gnomAD compares: Non-Finnish European, 0.000085%; no homozygotes.

Submissions (3):

Ambry Genetics
Classification: Uncertain significance for Hereditary cancer-predisposing syndrome. Last evaluated: 2026-08-04. Review status: criteria provided, single submitter. Criteria: Ambry Variant Classification Scheme 2023. Collection method: clinical testing. Allele origin: germline.
Comment: The p.T1221S variant (also known as c.3661A>T), located in coding exon 8 of the MSH6 gene, results from an A to T substitution at nucleotide position 3661. The threonine at codon 1221 is replaced by serine, an amino acid with similar properties. This amino acid position is conserved. In addition, this alteration is predicted to be deleterious by in silico analysis. Based on the available evidence, the clinical significance of this variant remains unclear.

All of Us Research Program, National Institutes of Health
Classification: Uncertain significance for Lynch syndrome. Last evaluated: 2023-05-31. Review status: criteria provided, single submitter. Criteria: ACMG Guidelines, 2015. Collection method: clinical testing. Allele origin: germline. Inheritance: Autosomal dominant inheritance. Observed: 1 variant allele, 1 heterozygote.
Comment: This study involves interpretation of variants in research participants for the purpose of population health screening. Participant phenotype was not available at the time of variant classification. Additional details can be found in publication PMID: 35346344, PMCID: PMC8962531

Labcorp Genetics (formerly Invitae), Labcorp
Classification: Uncertain significance for Hereditary nonpolyposis colorectal neoplasms. Last evaluated: 2022-11-07. Review status: criteria provided, single submitter. Criteria: Invitae Variant Classification Sherloc (09022015). Collection method: clinical testing. Allele origin: germline.
Comment: In summary, the available evidence is currently insufficient to determine the role of this variant in disease. Therefore, it has been classified as a Variant of Uncertain Significance. Algorithms developed to predict the effect of missense changes on protein structure and function (SIFT, PolyPhen-2, Align-GVGD) all suggest that this variant is likely to be disruptive. ClinVar contains an entry for this variant (Variation ID: 842055). This variant has not been reported in the literature in individuals affected with MSH6-related conditions. This variant is not present in population databases (gnomAD no frequency). This sequence change replaces threonine, which is neutral and polar, with serine, which is neutral and polar, at codon 1221 of the MSH6 protein (p.Thr1221Ser).

NM_000179.3(MSH6):c.3661A>T (p.Thr1221Ser)

Gene: MSH6 (mutS homolog 6; plus strand). Cytogenetic location: 2p16.3.
Variant type: single nucleotide variant.
Coding change: c.3661A>T on transcript NM_000179.3 (MANE Select); coding-DNA position 3661, A replaced by T.
Protein change: p.Thr1221Ser; replaces threonine 1221 with serine.
Molecular consequence: missense variant.
Genome position (GRCh38, 1-based): chr2:47,806,218, A>T. VCF-style: chr2-47806218-A-T. GRCh37 (hg19) VCF-style: chr2-48033357-A-T.
Other names: c.3271A>T, p.Thr1091Ser (NM_001281492.2); c.2755A>T, p.Thr919Ser (NM_001281493.2, NM_001281494.2); short protein forms T919S, T1091S, T1221S.
Identifiers: ClinVar variation 842055 (VCV000842055.12), dbSNP rs1670041286, ClinGen allele CA346760834.